The following is an entry in ClinVar:

NM_002541.4(OGDH):c.913G>A (p.Val305Met)

Gene: OGDH (oxoglutarate dehydrogenase; plus strand). Cytogenetic location: 7p13.
Variant type: single nucleotide variant.
Coding change: c.913G>A on transcript NM_002541.4 (MANE Select); coding-DNA position 913, G replaced by A.
Protein change: p.Val305Met; replaces valine 305 with methionine.
Molecular consequence: missense variant.
Genome position (GRCh38, 1-based): chr7:44,674,535, G>A. VCF-style: chr7-44674535-G-A. GRCh37 (hg19) VCF-style: chr7-44714134-G-A.
Other names: c.946G>A (NM_001363523.1); c.913G>A, p.Val305Met (NM_001003941.3); c.901G>A, p.Val301Met (NM_001165036.2); c.946G>A, p.Val316Met (NM_001363523.2); short protein forms V305M, V316M, V301M.
Identifiers: ClinVar variation 798242 (VCV000798242.9), dbSNP rs200004357, ClinGen allele CA4243668.

ClinVar aggregate classification (germline): Likely benign. Review status: criteria provided, multiple submitters, no conflicts (2 of 4 stars). 2 submissions from 2 submitters: Likely benign (2). Last evaluated 2026-03-17.

Conditions:
OGDH-related disorder. Also called: OGDH-related condition.
Oxoglutaricaciduria. Identifiers: Orphanet 31, MedGen C2752074, MONDO:0008759, OMIM 203740.

Allele frequency attached by ClinVar (database versions not stated): gnomAD 0.00006; TOPMed 0.00011; 1000 Genomes Project 30x 0.00016; ExAC 0.00016; 1000 Genomes Project 0.00020; gnomAD exomes 0.00021.
gnomAD v4.1: 144 of 1,614,116 alleles (0.0089%); highest among the groups gnomAD compares: East Asian, 0.11%; no homozygotes.

Submissions (2):

PreventionGenetics, part of Exact Sciences
Classification: Likely benign for OGDH-related condition. Last evaluated: 2026-03-17. Review status: criteria provided, single submitter. Criteria: ACMG Guidelines, 2015. Collection method: clinical testing. Allele origin: germline.
Comment: This variant is classified as likely benign based on ACMG/AMP sequence variant interpretation guidelines (Richards et al. 2015 PMID: 25741868, with internal and published modifications).

Labcorp Genetics (formerly Invitae), Labcorp
Classification: Likely benign for Oxoglutaricaciduria. Last evaluated: 2026-01-15. Review status: criteria provided, single submitter. Criteria: Invitae Variant Classification Sherloc (09022015). Collection method: clinical testing. Allele origin: germline.